The following is an entry in ClinVar:

ClinVar aggregate classification (germline): Uncertain significance. Review status: criteria provided, multiple submitters, no conflicts (2 of 4 stars). 2 submissions from 2 submitters: Uncertain significance (2). Last evaluated 2025-04-09.

Conditions:
OTULIN-related disorder. Also called: OTULIN-related condition.

Allele frequency attached by ClinVar (database versions not stated): gnomAD 0.00001; TOPMed 0.00002.

Submissions (2):

PreventionGenetics, part of Exact Sciences
Classification: Uncertain significance for OTULIN-related condition. Last evaluated: 2025-04-09. Review status: criteria provided, single submitter. Criteria: ACMG Guidelines, 2015. Collection method: clinical testing. Allele origin: germline.
Comment: The OTULIN c.787C>T variant is predicted to result in the amino acid substitution p.Arg263Trp. To our knowledge, this variant has not been reported in the literature or in a large population database (gnomAD), indicating this variant is rare. At this time, the clinical significance of this variant is uncertain due to the absence of conclusive functional and genetic evidence.

Labcorp Genetics (formerly Invitae), Labcorp
Classification: Uncertain significance. Last evaluated: 2025-03-07. Review status: criteria provided, single submitter. Criteria: Invitae Variant Classification Sherloc (09022015). Collection method: clinical testing. Allele origin: germline.
Comment: This sequence change replaces arginine, which is basic and polar, with tryptophan, which is neutral and slightly polar, at codon 263 of the OTULIN protein (p.Arg263Trp). This variant is not present in population databases (gnomAD no frequency). This variant has not been reported in the literature in individuals affected with OTULIN-related conditions. ClinVar contains an entry for this variant (Variation ID: 1923836). Invitae Evidence Modeling of protein sequence and biophysical properties (such as structural, functional, and spatial information, amino acid conservation, physicochemical variation, residue mobility, and thermodynamic stability) indicates that this missense variant is not expected to disrupt OTULIN protein function with a negative predictive value of 80%. In summary, the available evidence is currently insufficient to determine the role of this variant in disease. Therefore, it has been classified as a Variant of Uncertain Significance.

NM_138348.6(OTULIN):c.787C>T (p.Arg263Trp)

Gene: OTULIN (OTU deubiquitinase with linear linkage specificity; plus strand). Cytogenetic location: 5p15.2.
Variant type: single nucleotide variant.
Coding change: c.787C>T on transcript NM_138348.6 (MANE Select); coding-DNA position 787, C replaced by T.
Protein change: p.Arg263Trp; replaces arginine 263 with tryptophan.
Molecular consequence: missense variant.
Genome position (GRCh38, 1-based): chr5:14,690,231, C>T. VCF-style: chr5-14690231-C-T. GRCh37 (hg19) VCF-style: chr5-14690340-C-T.
Other names: c.787C>T (NM_138348.5); short protein forms R263W.
Identifiers: ClinVar variation 1923836 (VCV001923836.5), dbSNP rs1736490077, ClinGen allele CA359243867.
Genomic context (GRCh38, chr5:14,690,231, plus strand): 5'-CTATATAATGATAAAGAGAAAGGAAAGGAAGTACCATTTTTCTCTGTGCTTCTGTTTGCT[C>T]GGGACACATCAAATGACCCAGGACAGCTTCTGAGGAACCACCTCAACCAGGTGGGACACA-3'
Protein context (NP_612357.4, residues 253-273): VPFFSVLLFA[Arg263Trp]DTSNDPGQLL